The following is an entry in ClinVar:

ClinVar aggregate classification (germline): Uncertain significance (1 of 4 stars; one submission).

Conditions:
Gastrointestinal stromal tumor. Also called: Gastrointestinal stroma tumor; Gastrointestinal stromal tumor, somatic. Identifiers: Orphanet 44890, MedGen C0238198, MeSH D046152, MONDO:0011719, OMIM 606764, HP:0100723.

Allele frequency attached by ClinVar (database versions not stated): ExAC 0.00001.

Submission:

Labcorp Genetics (formerly Invitae), Labcorp
Classification: Uncertain significance for Gastrointestinal stromal tumor. Last evaluated: 2022-03-11. Review status: criteria provided, single submitter. Criteria: Invitae Variant Classification Sherloc (09022015). Collection method: clinical testing. Allele origin: germline.
Comment: In summary, the available evidence is currently insufficient to determine the role of this variant in disease. Therefore, it has been classified as a Variant of Uncertain Significance. This sequence change replaces serine, which is neutral and polar, with threonine, which is neutral and polar, at codon 741 of the KIT protein (p.Ser741Thr). The frequency data for this variant in the population databases is considered unreliable, as metrics indicate poor data quality at this position in the gnomAD database. This variant has not been reported in the literature in individuals affected with KIT-related conditions. Algorithms developed to predict the effect of missense changes on protein structure and function are either unavailable or do not agree on the potential impact of this missense change (SIFT: "Tolerated"; PolyPhen-2: "Possibly Damaging"; Align-GVGD: "Class C0").

NM_000222.3(KIT):c.2221T>A (p.Ser741Thr)

Gene: KIT (KIT proto-oncogene, receptor tyrosine kinase; plus strand). Cytogenetic location: 4q12.
Variant type: single nucleotide variant.
Coding change: c.2221T>A on transcript NM_000222.3 (MANE Select); coding-DNA position 2221, T replaced by A.
Protein change: p.Ser741Thr; replaces serine 741 with threonine.
Molecular consequence: missense variant.
Genome position (GRCh38, 1-based): chr4:54,731,407, T>A. VCF-style: chr4-54731407-T-A. GRCh37 (hg19) VCF-style: chr4-55597573-T-A.
Other names: c.2209T>A, p.Ser737Thr (NM_001093772.2, NM_001385292.1); c.2224T>A, p.Ser742Thr (NM_001385284.1); c.2218T>A, p.Ser740Thr (NM_001385285.1); c.2206T>A, p.Ser736Thr (NM_001385286.1); c.2212T>A, p.Ser738Thr (NM_001385288.1); c.2221T>A, p.Ser741Thr (NM_001385290.1); short protein forms S737T, S742T, S741T, S736T, S738T, S740T.
Identifiers: ClinVar variation 2108717 (VCV002108717.4), dbSNP rs761055157, ClinGen allele CA2923680.